The following is an entry in ClinVar:

NM_001430.5(EPAS1):c.703A>G (p.Met235Val)

Genes: EPAS1 (endothelial PAS domain protein 1; plus strand), LOC126806210 (BRD4-independent group 4 enhancer GRCh37_chr2:46587586-46588785; plus strand). Cytogenetic location: 2p21.
Variant type: single nucleotide variant.
Coding change: c.703A>G on transcript NM_001430.5 (MANE Select); coding-DNA position 703, A replaced by G.
Protein change: p.Met235Val; replaces methionine 235 with valine.
Molecular consequence: missense variant.
Genome position (GRCh38, 1-based): chr2:46,361,014, A>G. VCF-style: chr2-46361014-A-G. GRCh37 (hg19) VCF-style: chr2-46588153-A-G.
Other names: short protein forms M235V.
Identifiers: ClinVar variation 1756820 (VCV001756820.3), dbSNP rs2546455528, ClinGen allele CA346700199.
Genomic context (GRCh38, chr2:46,361,014, plus strand): 5'-AAGGAGCCCCTGCTGTCCTGCCTCATCATCATGTGTGAACCAATCCAGCACCCATCCCAC[A>G]TGGACATCCCCCTGGATAGCAAGACCTTCCTGAGCCGCCACAGCATGGACATGAAGTTCA-3'
Protein context (NP_001421.2, residues 225-245): MCEPIQHPSH[Met235Val]DIPLDSKTFL

ClinVar aggregate classification (germline): Uncertain significance (1 of 4 stars; one submission).

Conditions:
Inborn genetic diseases. Identifiers: MedGen C0950123, MeSH D030342.

Allele frequency attached by ClinVar (database versions not stated): gnomAD exomes below 0.00001.
gnomAD v4.1: 2 of 1,614,108 alleles (0.00012%); highest among the groups gnomAD compares: East Asian, 0.0022%; no homozygotes.

Submission:

Ambry Genetics
Classification: Uncertain significance for Inborn genetic diseases. Last evaluated: 2024-05-02. Review status: criteria provided, single submitter. Criteria: Ambry Variant Classification Scheme 2023. Collection method: clinical testing. Allele origin: germline.
Comment: The p.M235V variant (also known as c.703A>G), located in coding exon 6 of the EPAS1 gene, results from an A to G substitution at nucleotide position 703. The methionine at codon 235 is replaced by valine, an amino acid with highly similar properties. This amino acid position is conserved. In addition, this alteration is predicted to be tolerated by in silico analysis. Since supporting evidence is limited at this time, the clinical significance of this alteration remains unclear.